The following is an entry in ClinVar:

NM_001046.3(SLC12A2):c.147G>T (p.Ala49=)

Genes: SLC12A2 (solute carrier family 12 member 2; plus strand), LOC129994526 (ATAC-STARR-seq lymphoblastoid silent region 16295; plus strand). Cytogenetic location: 5q23.3.
Variant type: single nucleotide variant.
Coding change: c.147G>T on transcript NM_001046.3 (MANE Select); coding-DNA position 147, G replaced by T.
Protein change: p.Ala49=; no amino-acid change (alanine 49 retained).
Molecular consequence: synonymous variant. On other transcripts: non-coding transcript variant (1).
Genome position (GRCh38, 1-based): chr5:128,084,101, G>T. VCF-style: chr5-128084101-G-T. GRCh37 (hg19) VCF-style: chr5-127419793-G-T.
Other names: c.147G>T, p.Ala49= (NM_001256461.2).
Identifiers: ClinVar variation 1638143 (VCV001638143.32), dbSNP rs555325149, ClinGen allele CA3392744.

ClinVar aggregate classification (germline): Benign/Likely benign. Review status: criteria provided, multiple submitters, no conflicts (2 of 4 stars). 2 submissions from 2 submitters: Benign (1); Likely benign (1). Last evaluated 2026-05-01.

Allele frequency attached by ClinVar (database versions not stated): gnomAD exomes 0.00038; ExAC 0.00139; 1000 Genomes Project 0.00539; 1000 Genomes Project 30x 0.00547.
gnomAD v4.1: 1,023 of 1,313,538 alleles (0.078%); highest among the groups gnomAD compares: African/African-American, 1.4%; 6 homozygotes.

Submissions (2):

CeGaT Center for Human Genetics Tuebingen
Classification: Likely benign. Last evaluated: 2026-05-01. Review status: criteria provided, single submitter. Criteria: CeGaT Center For Human Genetics Tuebingen Variant Classification Criteria Version 2. Collection method: clinical testing. Allele origin: germline. Affected: yes. Observed: 4 variant alleles.
Comment: SLC12A2: BP4, BP7, BS1

Labcorp Genetics (formerly Invitae), Labcorp
Classification: Benign. Last evaluated: 2026-01-27. Review status: criteria provided, single submitter. Criteria: Invitae Variant Classification Sherloc (09022015). Collection method: clinical testing. Allele origin: germline.